The following is an entry in ClinVar:

ClinVar aggregate classification (germline): Uncertain significance (1 of 4 stars; one submission).

Conditions:
Congenital myasthenic syndrome 8. Also called: Myasthenic syndrome, congenital, 8, with pre- and postsynaptic defects; MYASTHENIC SYNDROME, CONGENITAL, DUE TO AGRIN DEFICIENCY. Identifiers: Orphanet 590, MedGen C3808739, MONDO:0014052, OMIM 615120.

Allele frequency attached by ClinVar (database versions not stated): TOPMed 0.00001.
gnomAD v4.1: 11 of 1,608,136 alleles (0.00068%); highest among the groups gnomAD compares: East Asian, 0.0067%; no homozygotes.

Submission:

Labcorp Genetics (formerly Invitae), Labcorp
Classification: Uncertain significance for Congenital myasthenic syndrome 8. Last evaluated: 2022-02-24. Review status: criteria provided, single submitter. Criteria: Invitae Variant Classification Sherloc (09022015). Collection method: clinical testing. Allele origin: germline.
Comment: This sequence change replaces methionine, which is neutral and non-polar, with isoleucine, which is neutral and non-polar, at codon 342 of the AGRN protein (p.Met342Ile). The frequency data for this variant in the population databases is considered unreliable, as metrics indicate poor data quality at this position in the gnomAD database. This variant has not been reported in the literature in individuals affected with AGRN-related conditions. Algorithms developed to predict the effect of missense changes on protein structure and function output the following: SIFT: "Tolerated"; PolyPhen-2: "Benign"; Align-GVGD: "Class C0". The isoleucine amino acid residue is found in multiple mammalian species, which suggests that this missense change does not adversely affect protein function. In summary, the available evidence is currently insufficient to determine the role of this variant in disease. Therefore, it has been classified as a Variant of Uncertain Significance.

NM_198576.4(AGRN):c.1026G>C (p.Met342Ile)

Gene: AGRN (agrin; plus strand). Cytogenetic location: 1p36.33.
Variant type: single nucleotide variant.
Coding change: c.1026G>C on transcript NM_198576.4 (MANE Select); coding-DNA position 1026, G replaced by C.
Protein change: p.Met342Ile; replaces methionine 342 with isoleucine.
Molecular consequence: missense variant.
Genome position (GRCh38, 1-based): chr1:1,041,551, G>C. VCF-style: chr1-1041551-G-C. GRCh37 (hg19) VCF-style: chr1-976931-G-C.
Other names: c.1026G>C, p.Met342Ile (NM_001305275.2); c.711G>C, p.Met237Ile (NM_001364727.2); short protein forms M342I, M237I.
Identifiers: ClinVar variation 1468075 (VCV001468075.3), dbSNP rs751462657, ClinGen allele CA337826479.